The following is an entry in ClinVar:

NM_015021.3(ZNF292):c.4643C>T (p.Thr1548Ile)

Gene: ZNF292 (zinc finger protein 292; plus strand). Cytogenetic location: 6q14.3.
Variant type: single nucleotide variant.
Coding change: c.4643C>T on transcript NM_015021.3 (MANE Select); coding-DNA position 4643, C replaced by T.
Protein change: p.Thr1548Ile; replaces threonine 1548 with isoleucine.
Molecular consequence: missense variant.
Genome position (GRCh38, 1-based): chr6:87,258,272, C>T. VCF-style: chr6-87258272-C-T. GRCh37 (hg19) VCF-style: chr6-87967990-C-T.
Other names: c.4223C>T, p.Thr1408Ile (NM_001351444.2); short protein forms T1548I, T1408I.
Identifiers: ClinVar variation 4991258 (VCV004991258.1).

ClinVar aggregate classification (germline): Uncertain significance (1 of 4 stars; one submission).

Conditions:
ZNF292-related disorder. Also called: ZNF292-related condition.

gnomAD v4.1: 1 of 1,613,328 alleles (0.000062%); highest among the groups gnomAD compares: Non-Finnish European, 0.000085%; no homozygotes.

Submission:

PreventionGenetics, part of Exact Sciences
Classification: Uncertain significance for ZNF292-related condition. Last evaluated: 2026-06-25. Review status: criteria provided, single submitter. Criteria: ACMG Guidelines, 2015. Collection method: clinical testing. Allele origin: germline.
Comment: The ZNF292 c.4643C>T variant is predicted to result in the amino acid substitution p.Thr1548Ile. To our knowledge, this variant has not been reported in the literature or in a large population database (gnomAD), indicating this variant is rare. At this time, the clinical significance of this variant is uncertain due to the absence of conclusive functional and genetic evidence.